The following is an entry in ClinVar:

NM_000045.4(ARG1):c.877G>C (p.Val293Leu)

Genes: ARG1 (arginase 1; plus strand), MED23 (mediator complex subunit 23; minus strand). Cytogenetic location: 6q23.2.
Variant type: single nucleotide variant.
Coding change: c.877G>C on transcript NM_000045.4 (MANE Select); coding-DNA position 877, G replaced by C.
Protein change: p.Val293Leu; replaces valine 293 with leucine.
Molecular consequence: missense variant. On other transcripts: non-coding transcript variant (1), intron variant (2).
Genome position (GRCh38, 1-based): chr6:131,583,816, G>C. VCF-style: chr6-131583816-G-C. GRCh37 (hg19) VCF-style: chr6-131904956-G-C.
Other names: c.622G>C, p.Val208Leu (NM_001369020.1); c.4077+3893C>G (NM_001270521.2); c.4095+3893C>G (NM_015979.4); c.901G>C, p.Val301Leu (NM_001244438.2); short protein forms V301L, V293L, V208L.
Identifiers: ClinVar variation 3013141 (VCV003013141.2), dbSNP rs763625573, ClinGen allele CA3999397.

ClinVar aggregate classification (germline): Uncertain significance (1 of 4 stars; one submission).

Conditions:
Arginase deficiency. Also called: Arginase 1 Deficiency; ARGININEMIA; ARG1 DEFICIENCY. Identifiers: Orphanet 90, MedGen C0268548, MONDO:0008814, OMIM 207800.

Allele frequency attached by ClinVar (database versions not stated): ExAC 0.00001; gnomAD exomes below 0.00001.
gnomAD v4.1: 6 of 1,614,148 alleles (0.00037%); highest among the groups gnomAD compares: South Asian, 0.0066%; no homozygotes.

Submission:

Labcorp Genetics (formerly Invitae), Labcorp
Classification: Uncertain significance for Arginase deficiency. Last evaluated: 2023-08-27. Review status: criteria provided, single submitter. Criteria: Invitae Variant Classification Sherloc (09022015). Collection method: clinical testing. Allele origin: germline.
Comment: In summary, the available evidence is currently insufficient to determine the role of this variant in disease. Therefore, it has been classified as a Variant of Uncertain Significance. Advanced modeling of protein sequence and biophysical properties (such as structural, functional, and spatial information, amino acid conservation, physicochemical variation, residue mobility, and thermodynamic stability) performed at Invitae indicates that this missense variant is not expected to disrupt ARG1 protein function. This variant has not been reported in the literature in individuals affected with ARG1-related conditions. This variant is present in population databases (rs763625573, gnomAD 0.01%). This sequence change replaces valine, which is neutral and non-polar, with leucine, which is neutral and non-polar, at codon 293 of the ARG1 protein (p.Val293Leu).